The following is an entry in ClinVar:

ClinVar aggregate classification (germline): Uncertain significance (1 of 4 stars; one submission).

Conditions:
Nephronophthisis. Also called: Juvenile Nephronophthisis. Identifiers: Orphanet 655, MedGen C0687120, MONDO:0019005, HP:0000090.

Allele frequency attached by ClinVar (database versions not stated): gnomAD exomes below 0.00001; ExAC 0.00001; gnomAD 0.00001; 1000 Genomes Project 30x 0.00016; 1000 Genomes Project 0.00020.
gnomAD v4.1: 6 of 1,603,342 alleles (0.00037%); highest among the groups gnomAD compares: Non-Finnish European, 0.00051%; no homozygotes.

Submission:

Labcorp Genetics (formerly Invitae), Labcorp
Classification: Uncertain significance for Nephronophthisis. Last evaluated: 2022-10-05. Review status: criteria provided, single submitter. Criteria: Invitae Variant Classification Sherloc (09022015). Collection method: clinical testing. Allele origin: germline.
Comment: This sequence change replaces aspartic acid, which is acidic and polar, with glutamic acid, which is acidic and polar, at codon 212 of the IQCB1 protein (p.Asp212Glu). This variant is present in population databases (rs202164315, gnomAD 0.002%). This variant has not been reported in the literature in individuals affected with IQCB1-related conditions. ClinVar contains an entry for this variant (Variation ID: 1392329). Advanced modeling of protein sequence and biophysical properties (such as structural, functional, and spatial information, amino acid conservation, physicochemical variation, residue mobility, and thermodynamic stability) performed at Invitae indicates that this missense variant is not expected to disrupt IQCB1 protein function. In summary, the available evidence is currently insufficient to determine the role of this variant in disease. Therefore, it has been classified as a Variant of Uncertain Significance.

NM_001023570.4(IQCB1):c.636T>G (p.Asp212Glu)

Gene: IQCB1 (IQ motif containing B1; minus strand). Cytogenetic location: 3q13.33.
Variant type: single nucleotide variant.
Coding change: c.636T>G on transcript NM_001023570.4 (MANE Select); coding-DNA position 636, T replaced by G.
Protein change: p.Asp212Glu; replaces aspartic acid 212 with glutamic acid.
Molecular consequence: missense variant. On other transcripts: non-coding transcript variant (1), intron variant (1).
Genome position (GRCh38, 1-based): chr3:121,799,326, A>C on the plus strand (T>G on the coding strand, the complement: IQCB1 is on the minus strand). VCF-style: chr3-121799326-A-C. GRCh37 (hg19) VCF-style: chr3-121518173-A-C.
Other names: c.636T>G, p.Asp212Glu (NM_001319107.2); c.587+8018T>G (NM_001023571.4); short protein forms D212E.
Identifiers: ClinVar variation 1392329 (VCV001392329.8), dbSNP rs202164315, ClinGen allele CA2567345.
Genomic context (GRCh38, chr3:121,799,326, plus strand): 5'-TTTTGTAGCAGTACTTCTTATAACTGGACTAGGAGTTGAAAAAAGCTTGAAAATAACTTC[A>C]TCTAAAATTGAATACAGGGCTTTTCTTCCTATTCTGAGTAAATCACCACTAATAGAACAA-3'
Protein context (NP_001018864.2, residues 202-222): IGRKALYSIL[Asp212Glu]EVIFKLFSTP